The following is an entry in ClinVar:

ClinVar aggregate classification (germline): Likely benign. Review status: criteria provided, multiple submitters, no conflicts (2 of 4 stars). 3 submissions from 3 submitters: Likely benign (3). Last evaluated 2024-10-15.

Conditions:
Adenylosuccinate lyase deficiency (ADSLD). Also called: ADSL DEFICIENCY. Identifiers: Orphanet 46, MedGen C0268126, MONDO:0007068, OMIM 103050.

Allele frequency attached by ClinVar (database versions not stated): gnomAD 0.00001; gnomAD exomes 0.00001 and 0.00002; TOPMed 0.00001; ExAC 0.00002.
gnomAD v4.1: 10 of 1,564,586 alleles (0.00064%); highest among the groups gnomAD compares: Admixed American, 0.01%; no homozygotes.

Submissions (3):

Labcorp Genetics (formerly Invitae), Labcorp
Classification: Likely benign for Adenylosuccinate lyase deficiency. Last evaluated: 2024-10-15. Review status: criteria provided, single submitter. Criteria: Invitae Variant Classification Sherloc (09022015). Collection method: clinical testing. Allele origin: germline.

GeneDx
Classification: Likely benign. Last evaluated: 2016-08-05. Review status: criteria provided, single submitter. Criteria: GeneDx Variant Classification (06012015). Collection method: clinical testing. Allele origin: germline. Affected: yes.
Comment: This variant is considered likely benign or benign based on one or more of the following criteria: it is a conservative change, it occurs at a poorly conserved position in the protein, it is predicted to be benign by multiple in silico algorithms, and/or has population frequency not consistent with disease.

Breakthrough Genomics
Classification: Likely benign. Review status: criteria provided, single submitter. Criteria: ACMG Guidelines, 2015. Collection method: not provided. Allele origin: germline. Inheritance: Autosomal recessive inheritance. Affected: yes.

NM_000026.4(ADSL):c.1369-17T>C

Gene: ADSL (adenylosuccinate lyase; plus strand). Cytogenetic location: 22q13.1.
Variant type: single nucleotide variant.
Coding change: c.1369-17T>C on transcript NM_000026.4 (MANE Select); 17 bases into the intron before coding-DNA position 1369, T replaced by C.
Molecular consequence: intron variant.
Genome position (GRCh38, 1-based): chr22:40,366,419, T>C. VCF-style: chr22-40366419-T-C. GRCh37 (hg19) VCF-style: chr22-40762423-T-C.
Other names: c.1369-17T>C (NM_001363840.3); c.1192-17T>C (NM_001123378.3); c.1177-17T>C (NM_001317923.2).
Identifiers: ClinVar variation 388313 (VCV000388313.6), dbSNP rs758511561, ClinGen allele CA10248002.
Genomic context (GRCh38, chr22:40,366,419, plus strand): 5'-CCCCTGACATTGGAAAAGGTATTATCTGCTAATATCTTAACATTTTCTTTTGTCTTGTAT[T>C]TGCTTTCCTCTGGCAGGTGCAGAGATTCTTAGAAGAGGAGGTGTATCCCCTGTTAAAACC-3'